The following is an entry in ClinVar:

NM_001292063.2(OTOG):c.2303G>C (p.Cys768Ser)

Gene: OTOG (otogelin; plus strand). Cytogenetic location: 11p15.1.
Variant type: single nucleotide variant.
Coding change: c.2303G>C on transcript NM_001292063.2 (MANE Select); coding-DNA position 2303, G replaced by C.
Protein change: p.Cys768Ser; replaces cysteine 768 with serine.
Molecular consequence: missense variant.
Genome position (GRCh38, 1-based): chr11:17,574,729, G>C. VCF-style: chr11-17574729-G-C. GRCh37 (hg19) VCF-style: chr11-17596276-G-C.
Other names: c.2339G>C, p.Cys780Ser (NM_001277269.2); short protein forms C780S, C768S.
Identifiers: ClinVar variation 4988779 (VCV004988779.1).
Genomic context (GRCh38, chr11:17,574,729, plus strand): 5'-AACTGTGGGGATGAGGGAGACAAAGCATGCACCACTCCCCCCTCACTGCAGCACTGTCCT[G>C]TGAGGCCTCCAAGGAGTATAGCCCCTGCGTGGCCCCGTGTGGACGTACCTGCCAGGACCT-3'
Protein context (NP_001278992.1, residues 758-778): RARLPACALS[Cys768Ser]EASKEYSPCV

ClinVar aggregate classification (germline): Uncertain significance (1 of 4 stars; one submission).

Conditions:
OTOG-related disorder. Also called: OTOG-related condition.

gnomAD v4.1: 46 of 1,550,428 alleles (0.003%); highest among the groups gnomAD compares: Middle Eastern, 0.017%; no homozygotes.

Submission:

PreventionGenetics, part of Exact Sciences
Classification: Uncertain significance for OTOG-related condition. Last evaluated: 2025-05-27. Review status: criteria provided, single submitter. Criteria: ACMG Guidelines, 2015. Collection method: clinical testing. Allele origin: germline.
Comment: The OTOG c.2339G>C variant is predicted to result in the amino acid substitution p.Cys780Ser. To our knowledge, this variant has not been reported in the literature. This variant is reported in 0.0036% of alleles in individuals of European (Non-Finnish) descent in gnomAD. At this time, the clinical significance of this variant is uncertain due to the absence of conclusive functional and genetic evidence.